The following is an entry in ClinVar:

ClinVar aggregate classification (germline): Likely benign. Review status: criteria provided, multiple submitters, no conflicts (2 of 4 stars). 6 submissions from 6 submitters: Likely benign (6). Last evaluated 2025-07-31.

Conditions:
Hereditary cancer-predisposing syndrome. Also called: Tumor predisposition; Hereditary neoplastic syndrome; Neoplastic Syndromes, Hereditary; Hereditary Cancer Syndrome. Identifiers: Orphanet 140162, MedGen C0027672, MeSH D009386, MONDO:0015356.
Classic or attenuated familial adenomatous polyposis. Identifiers: MedGen CN372698, MONDO:0021057.
Familial adenomatous polyposis 1 (FAP1). Also called: FAMILIAL ADENOMATOUS POLYPOSIS 1, ATTENUATED; POLYPOSIS, ADENOMATOUS INTESTINAL. Identifiers: MedGen C2713442, MONDO:0021056, OMIM 175100. Disease mechanism: loss of function.

Allele frequency attached by ClinVar (database versions not stated): gnomAD exomes below 0.00001 and 0.00002; gnomAD 0.00001; TOPMed 0.00003.

Submissions (6):

Labcorp Genetics (formerly Invitae), Labcorp
Classification: Likely benign for Familial adenomatous polyposis 1. Last evaluated: 2025-07-31. Review status: criteria provided, single submitter. Criteria: Invitae Variant Classification Sherloc (09022015). Collection method: clinical testing. Allele origin: germline.

Myriad Genetics, Inc.
Classification: Likely benign for Familial adenomatous polyposis 1. Last evaluated: 2024-02-22. Review status: criteria provided, single submitter. Criteria: Myriad Autosomal Dominant, Autosomal Recessive and X-Linked Classification Criteria (2023). Collection method: clinical testing. Allele origin: unknown.
Comment: This variant is considered likely benign. This variant is intronic and is not expected to impact mRNA splicing.

All of Us Research Program, National Institutes of Health
Classification: Likely benign for Classic or attenuated familial adenomatous polyposis. Last evaluated: 2024-01-11. Review status: criteria provided, single submitter. Criteria: ACMG Guidelines, 2015. Collection method: clinical testing. Allele origin: germline. Inheritance: Autosomal dominant inheritance. Observed: 1 variant allele, 1 heterozygote.
Comment: This study involves interpretation of variants in research participants for the purpose of population health screening. Participant phenotype was not available at the time of variant classification. Additional details can be found in publication PMID: 35346344, PMCID: PMC8962531

Sema4
Classification: Likely benign for Hereditary cancer-predisposing syndrome. Last evaluated: 2021-04-21. Review status: criteria provided, single submitter. Criteria: Sema4 Curation Guidelines. Collection method: curation. Allele origin: germline.

GeneDx
Classification: Likely benign. Last evaluated: 2020-08-25. Review status: criteria provided, single submitter. Criteria: GeneDx Variant Classification Process June 2021. Collection method: clinical testing. Allele origin: germline. Affected: yes.

Color Diagnostics, LLC DBA Color Health
Classification: Likely benign for Hereditary cancer-predisposing syndrome. Last evaluated: 2018-05-02. Review status: criteria provided, single submitter. Criteria: ACMG Guidelines, 2015. Collection method: clinical testing. Allele origin: germline.

NM_000038.6(APC):c.221-11A>G

Gene: APC (APC regulator of Wnt signaling pathway; plus strand). Cytogenetic location: 5q22.2.
Variant type: single nucleotide variant.
Coding change: c.221-11A>G on transcript NM_000038.6 (MANE Select); 11 bases into the intron before coding-DNA position 221, A replaced by G.
Molecular consequence: intron variant.
Genome position (GRCh38, 1-based): chr5:112,767,178, A>G. VCF-style: chr5-112767178-A-G. GRCh37 (hg19) VCF-style: chr5-112102875-A-G.
Other names: c.221-11A>G (NM_001354895.2, NM_001127510.3, NM_001354896.2 and 2 more transcripts); c.146-11A>G (NM_001354904.2, NM_001354898.2); c.251-11A>G (NM_001354897.2, NM_001354902.2, NM_001127511.3); c.-815-11A>G (NM_001354906.2); c.44-11A>G (NM_001354900.2, NM_001354901.2, NM_001354905.2).
Identifiers: ClinVar variation 382326 (VCV000382326.16), dbSNP rs531060253, ClinGen allele CA16604757.